The following is an entry in ClinVar:

ClinVar aggregate classification (germline): Uncertain significance (1 of 4 stars; one submission).

Conditions:
Nance-Horan syndrome (NHS). Identifiers: Orphanet 627, MedGen C0796085, MONDO:0010545, OMIM 302350.

Allele frequency attached by ClinVar (database versions not stated): gnomAD exomes below 0.00001; ExAC 0.00001.
gnomAD v4.1: 1 of 1,208,919 alleles (0.000083%); highest among the groups gnomAD compares: Admixed American, 0.0022%; no homozygotes.

Submission:

Labcorp Genetics (formerly Invitae), Labcorp
Classification: Uncertain significance for Nance-Horan syndrome. Last evaluated: 2023-06-14. Review status: criteria provided, single submitter. Criteria: Invitae Variant Classification Sherloc (09022015). Collection method: clinical testing. Allele origin: germline.
Comment: This sequence change replaces proline, which is neutral and non-polar, with histidine, which is basic and polar, at codon 413 of the NHS protein (p.Pro413His). This variant is present in population databases (rs772418542, gnomAD 0.004%). This variant has not been reported in the literature in individuals affected with NHS-related conditions. Advanced modeling of protein sequence and biophysical properties (such as structural, functional, and spatial information, amino acid conservation, physicochemical variation, residue mobility, and thermodynamic stability) performed at Invitae indicates that this missense variant is not expected to disrupt NHS protein function. In summary, the available evidence is currently insufficient to determine the role of this variant in disease. Therefore, it has been classified as a Variant of Uncertain Significance.

NM_001291867.2(NHS):c.1301C>A (p.Pro434His)

Gene: NHS (NHS actin remodeling regulator; plus strand). Cytogenetic location: Xp22.13.
Variant type: single nucleotide variant.
Coding change: c.1301C>A on transcript NM_001291867.2 (MANE Select); coding-DNA position 1301, C replaced by A.
Protein change: p.Pro434His; replaces proline 434 with histidine.
Molecular consequence: missense variant.
Genome position (GRCh38, 1-based): chrX:17,725,407, C>A. VCF-style: chrX-17725407-C-A. GRCh37 (hg19) VCF-style: chrX-17743527-C-A.
Other names: c.770C>A, p.Pro257His (NM_001136024.4); c.707C>A, p.Pro236His (NM_001291868.2); c.1238C>A, p.Pro413His (NM_198270.4); short protein forms P413H, P434H, P236H, P257H.
Identifiers: ClinVar variation 2796727 (VCV002796727.3), dbSNP rs772418542, ClinGen allele CA10358606.
Genomic context (GRCh38, chrX:17,725,407, plus strand): 5'-ATTCTGATGAATCACCAGTGGCCAGGGAAAGGAATGTGATTGTGCACACAAACCCAGACC[C>A]CTCCAACACTGTCAATAGGATATCCGGAACCAGGGACTCTGAGTGCCAAACCGAGGATAT-3'
Protein context (NP_001278796.1, residues 424-444): RNVIVHTNPD[Pro434His]SNTVNRISGT